The following is an entry in ClinVar:

ClinVar aggregate classification (germline): Likely pathogenic (1 of 4 stars; one submission).

Conditions:
Anemia, nonspherocytic hemolytic, due to G6PD deficiency (CNSHA1). Also called: Hemolytic anemia due to G6PD deficiency; Class I glucose-6-phosphate dehydrogenase deficiency; Favism, susceptibility to; ANEMIA, CONGENITAL, NONSPHEROCYTIC HEMOLYTIC, 1. Identifiers: Orphanet 466026, MedGen C2720289, MONDO:0010480, OMIM 300908.

Submission:

Dunham Lab, University of Washington
Classification: Likely pathogenic for Anemia, nonspherocytic hemolytic, due to G6PD deficiency. Last evaluated: 2022-08-12. Review status: criteria provided, single submitter. Criteria: Bayesian ACMG Guidelines, 2018. Collection method: curation. Allele origin: unknown. Affected: yes.
Comment: Decreased activity in red blood cells (3%) (PS3). Not found in gnomAD (PM2). Post_P 0.949 (odds of pathogenicity 168.4, Prior_P 0.1).

Literature cited by the submitters: PubMed 8611726.

NM_001360016.2(G6PD):c.1052G>T (p.Gly351Val)

Gene: G6PD (glucose-6-phosphate dehydrogenase; minus strand). Cytogenetic location: Xq28.
Variant type: single nucleotide variant.
Coding change: c.1052G>T on transcript NM_001360016.2 (MANE Select); coding-DNA position 1052, G replaced by T.
Protein change: p.Gly351Val; replaces glycine 351 with valine.
Molecular consequence: missense variant.
Genome position (GRCh38, 1-based): chrX:154,532,802, C>A on the plus strand (G>T on the coding strand, the complement: G6PD is on the minus strand). VCF-style: chrX-154532802-C-A. GRCh37 (hg19) VCF-style: chrX-153761017-C-A.
Other names: G6PD Partenope; c.1142G>T, p.Gly381Val (NM_000402.4); c.1052G>T, p.Gly351Val (NM_001042351.3); short protein forms G351V, G381V.
Identifiers: ClinVar variation 1722607 (VCV001722607.2), dbSNP rs2070355916, ClinGen allele CA415234326.